The following is an entry in ClinVar:

NM_001401501.2(MUC16):c.38007A>T (p.Gly12669=)

Gene: MUC16 (mucin 16, cell surface associated; minus strand). Cytogenetic location: 19p13.2.
Variant type: single nucleotide variant.
Coding change: c.38007A>T on transcript NM_001401501.2 (MANE Select); coding-DNA position 38007, A replaced by T.
Protein change: p.Gly12669=; no amino-acid change (glycine 12669 retained).
Molecular consequence: synonymous variant.
Genome position (GRCh38, 1-based): chr19:8,906,827, T>A on the plus strand (A>T on the coding strand, the complement: MUC16 is on the minus strand). VCF-style: chr19-8906827-T-A. GRCh37 (hg19) VCF-style: chr19-9017503-T-A.
Other names: c.38433A>T, p.Gly12811= (NM_001414686.1); c.37887A>T, p.Gly12629= (NM_001414687.1); c.37821A>T, p.Gly12607= (NM_024690.2).
Identifiers: ClinVar variation 2649226 (VCV002649226.25), dbSNP rs747641613, ClinGen allele CA9164901.

ClinVar aggregate classification (germline): Likely benign. Review status: criteria provided, multiple submitters, no conflicts (2 of 4 stars). 2 submissions from 2 submitters: Likely benign (2). Last evaluated 2022-07-01.

Allele frequency attached by ClinVar (database versions not stated): gnomAD 0.00001; gnomAD exomes 0.00001; ExAC 0.00002; TOPMed 0.00003.

Submissions (2):

CeGaT Center for Human Genetics Tuebingen
Classification: Likely benign. Last evaluated: 2022-07-01. Review status: criteria provided, single submitter. Criteria: CeGaT Center For Human Genetics Tuebingen Variant Classification Criteria Version 2. Collection method: clinical testing. Allele origin: germline. Affected: yes. Observed: 1 variant allele.
Comment: MUC16: BP4, BP7

Breakthrough Genomics
Classification: Likely benign. Review status: criteria provided, single submitter. Criteria: ACMG Guidelines, 2015. Collection method: not provided. Allele origin: germline. Inheritance: Unknown mechanism. Affected: yes.